The following is an entry in ClinVar:

ClinVar aggregate classification (germline): Benign. Review status: criteria provided, multiple submitters, no conflicts (2 of 4 stars). 4 submissions from 4 submitters: Benign (4). Last evaluated 2026-02-01.

Conditions:
Retinal cone dystrophy 4 (RCD4). Identifiers: Orphanet 1872, MedGen C1864849, MONDO:0012507, OMIM 610478.

Allele frequency attached by ClinVar (database versions not stated): ESP Exome Variant Server 0.00298; gnomAD 0.00301 and 0.00455; TOPMed 0.00350; gnomAD exomes 0.00440 and 0.00808; ExAC 0.00963; 1000 Genomes Project 0.01478; 1000 Genomes Project 30x 0.01499.
gnomAD v4.1: 7,199 of 1,612,834 alleles (0.45%); highest among the groups gnomAD compares: South Asian, 4.1%; 133 homozygotes.

Submissions (4):

Labcorp Genetics (formerly Invitae), Labcorp
Classification: Benign. Last evaluated: 2026-02-01. Review status: criteria provided, single submitter. Criteria: Invitae Variant Classification Sherloc (09022015). Collection method: clinical testing. Allele origin: germline.

Illumina Laboratory Services, Illumina
Classification: Benign for Retinal cone dystrophy 4. Last evaluated: 2018-01-12. Review status: criteria provided, single submitter. Criteria: ICSL Variant Classification Criteria 13 December 2019. Collection method: clinical testing. Allele origin: germline.
Comment: This variant was observed in the ICSL laboratory as part of a predisposition screen in an ostensibly healthy population. It had not been previously curated by ICSL or reported in the Human Gene Mutation Database (HGMD: prior to June 1st, 2018), and was therefore a candidate for classification through an automated scoring system. Utilizing variant allele frequency, disease prevalence and penetrance estimates, and inheritance mode, an automated score was calculated to assess if this variant is too frequent to cause the disease. Based on the score and internal cut-off values, a variant classified as benign is not then subjected to further curation. The score for this variant resulted in a classification of benign for this disease.

Eurofins Ntd Llc (ga)
Classification: Benign. Last evaluated: 2013-12-18. Review status: criteria provided, single submitter. Criteria: EGL Classification Definitions 2015. Collection method: clinical testing. Allele origin: germline. Observed: 1 variant allele, 1 heterozygote.

Breakthrough Genomics
Classification: Benign. Review status: criteria provided, single submitter. Criteria: ACMG Guidelines, 2015. Collection method: not provided. Allele origin: germline. Inheritance: Autosomal recessive inheritance. Affected: yes.

NM_172364.5(CACNA2D4):c.2187C>T (p.Asp729=)

Gene: CACNA2D4 (calcium voltage-gated channel auxiliary subunit alpha2delta 4; minus strand). Cytogenetic location: 12p13.33.
Variant type: single nucleotide variant.
Coding change: c.2187C>T on transcript NM_172364.5 (MANE Select); coding-DNA position 2187, C replaced by T.
Protein change: p.Asp729=; no amino-acid change (aspartic acid 729 retained).
Molecular consequence: synonymous variant.
Genome position (GRCh38, 1-based): chr12:1,854,010, G>A on the plus strand (C>T on the coding strand, the complement: CACNA2D4 is on the minus strand). VCF-style: chr12-1854010-G-A. GRCh37 (hg19) VCF-style: chr12-1963176-G-A.
Identifiers: ClinVar variation 166782 (VCV000166782.20), dbSNP rs78335326, ClinGen allele CA179832.